The following is an entry in ClinVar:

NM_002439.5(MSH3):c.2729C>G (p.Ala910Gly)

Gene: MSH3 (mutS homolog 3; plus strand). Cytogenetic location: 5q14.1.
Variant type: single nucleotide variant.
Coding change: c.2729C>G on transcript NM_002439.5 (MANE Select); coding-DNA position 2729, C replaced by G.
Protein change: p.Ala910Gly; replaces alanine 910 with glycine.
Molecular consequence: missense variant.
Genome position (GRCh38, 1-based): chr5:80,813,657, C>G. VCF-style: chr5-80813657-C-G. GRCh37 (hg19) VCF-style: chr5-80109476-C-G.
Other names: short protein forms A910G.
Identifiers: ClinVar variation 3875004 (VCV003875004.1).

ClinVar aggregate classification (germline): Uncertain significance (1 of 4 stars; one submission).

Conditions:
Hereditary cancer-predisposing syndrome. Also called: Tumor predisposition; Neoplastic Syndromes, Hereditary; Hereditary Cancer Syndrome; Hereditary neoplastic syndrome. Identifiers: Orphanet 140162, MedGen C0027672, MeSH D009386, MONDO:0015356.

Submission:

Ambry Genetics
Classification: Uncertain significance for Hereditary cancer-predisposing syndrome. Last evaluated: 2025-03-04. Review status: criteria provided, single submitter. Criteria: Ambry Variant Classification Scheme 2023. Collection method: clinical testing. Allele origin: germline.
Comment: The p.A910G variant (also known as c.2729C>G), located in coding exon 20 of the MSH3 gene, results from a C to G substitution at nucleotide position 2729. The alanine at codon 910 is replaced by glycine, an amino acid with similar properties. This amino acid position is conserved. In addition, the in silico prediction for this alteration is inconclusive. Based on the available evidence, the clinical significance of this variant remains unclear.